The following is an entry in ClinVar:

ClinVar aggregate classification (germline): Uncertain significance (1 of 4 stars; one submission).

Conditions:
Familial thoracic aortic aneurysm and aortic dissection (TAAD). Also called: Thoracic aortic aneurysms and dissections. Identifiers: Orphanet 91387, MedGen C4707243, MONDO:0019625.

gnomAD v4.1: 1 of 1,614,206 alleles (0.000062%); highest among the groups gnomAD compares: Non-Finnish European, 0.000085%; no homozygotes.

Submission:

Color Diagnostics, LLC DBA Color Health
Classification: Uncertain significance for Familial thoracic aortic aneurysm and aortic dissection. Last evaluated: 2025-08-04. Review status: criteria provided, single submitter. Criteria: ACMG Guidelines, 2015. Collection method: clinical testing. Allele origin: germline.
Comment: This missense variant replaces threonine with alanine at codon 1047 of the FBN1 protein. Computational prediction suggests that this variant may have deleterious impact on protein structure and function. To our knowledge, functional studies have not been reported for this variant. This variant has not been reported in individuals affected with FBN1-related disorders in the literature. This variant has not been identified in the general population by the Genome Aggregation Database (gnomAD). The available evidence is insufficient to determine the role of this variant in disease conclusively. Therefore, this variant is classified as a Variant of Uncertain Significance.

NM_000138.5(FBN1):c.3139A>G (p.Thr1047Ala)

Gene: FBN1 (fibrillin 1; minus strand). Cytogenetic location: 15q21.1.
Variant type: single nucleotide variant.
Coding change: c.3139A>G on transcript NM_000138.5 (MANE Select); coding-DNA position 3139, A replaced by G.
Protein change: p.Thr1047Ala; replaces threonine 1047 with alanine.
Molecular consequence: missense variant.
Genome position (GRCh38, 1-based): chr15:48,488,437, T>C on the plus strand (A>G on the coding strand, the complement: FBN1 is on the minus strand). VCF-style: chr15-48488437-T-C. GRCh37 (hg19) VCF-style: chr15-48780634-T-C.
Other names: c.3139A>G, p.Thr1047Ala (NM_001406716.1); short protein forms T1047A.
Identifiers: ClinVar variation 4758303 (VCV004758303.1).